The following is an entry in ClinVar:

NM_001382347.1(MYO5A):c.947-3del

Gene: MYO5A (myosin VA; minus strand). Cytogenetic location: 15q21.2.
Variant type: Deletion.
Coding change: c.947-3del on transcript NM_001382347.1 (MANE Select); 3 bases into the intron before coding-DNA position 947, one base deleted (C; older notation c.947-3delC).
Molecular consequence: intron variant.
Genome position (GRCh38, 1-based): chr15:52,405,396, G deleted on the plus strand (C on the coding strand, the reverse complement: MYO5A is on the minus strand). VCF-style (leftmost placement, unchanged base first): chr15-52405395-TG-T. GRCh37 (hg19) VCF-style: chr15-52697592-TG-T.
Other names: c.947-3del (NM_000259.3, NM_001411135.1, NM_001142495.2); c.1019-3del (NM_001382349.1, NM_001382348.1); c.947-3delC (NM_000259.3).
Identifiers: ClinVar variation 4860654 (VCV004860654.1).

ClinVar aggregate classification (germline): Uncertain significance (1 of 4 stars; one submission).

Conditions:
Inborn genetic diseases. Identifiers: MedGen C0950123, MeSH D030342.

Submission:

Ambry Genetics
Classification: Uncertain significance for Inborn genetic diseases. Last evaluated: 2026-03-30. Review status: criteria provided, single submitter. Criteria: Ambry Variant Classification Scheme 2023. Collection method: clinical testing. Allele origin: germline.
Comment: The c.947-3delC intronic variant is located 3 nucleotides before exon 9 (coding exon 9) of the MYO5A gene. This alteration consists of a deletion of 1 nucleotide at nucleotide position c.947-3. This variant was not reported in population-based cohorts in the Genome Aggregation Database (gnomAD). Based on insufficient or conflicting evidence, the clinical significance of this alteration remains unclear.